The following is an entry in ClinVar:

ClinVar aggregate classification (germline): Uncertain significance (1 of 4 stars; one submission).

gnomAD v4.1: 1 of 1,610,564 alleles (0.000062%); highest among the groups gnomAD compares: East Asian, 0.0022%; no homozygotes.

Submission:

GeneDx
Classification: Uncertain significance. Last evaluated: 2026-04-04. Review status: criteria provided, single submitter. Criteria: GeneDx Variant Classification Process June 2021. Collection method: clinical testing. Allele origin: germline.
Comment: Not observed at significant frequency in large population cohorts (gnomAD); In silico analysis suggests that this missense variant does not alter protein structure/function; Has not been previously published as pathogenic or benign to our knowledge

NM_006734.4(HIVEP2):c.6554G>C (p.Ser2185Thr)

Gene: HIVEP2 (HIVEP zinc finger 2; minus strand). Cytogenetic location: 6q24.2.
Variant type: single nucleotide variant.
Coding change: c.6554G>C on transcript NM_006734.4 (MANE Select); coding-DNA position 6554, G replaced by C.
Protein change: p.Ser2185Thr; replaces serine 2185 with threonine.
Molecular consequence: missense variant.
Genome position (GRCh38, 1-based): chr6:142,753,894, C>G on the plus strand (G>C on the coding strand, the complement: HIVEP2 is on the minus strand). VCF-style: chr6-142753894-C-G. GRCh37 (hg19) VCF-style: chr6-143075031-C-G.
Other names: c.6554G>C, p.Ser2185Thr (NM_001438449.1, NM_001438450.1, NM_001438451.1); short protein forms S2185T.
Identifiers: ClinVar variation 5018225 (VCV005018225.1).